The following is an entry in ClinVar:

NM_182925.5(FLT4):c.1503C>T (p.Ile501=)

Gene: FLT4 (fms related receptor tyrosine kinase 4; minus strand). Cytogenetic location: 5q35.3.
Variant type: single nucleotide variant.
Coding change: c.1503C>T on transcript NM_182925.5 (MANE Select); coding-DNA position 1503, C replaced by T.
Protein change: p.Ile501=; no amino-acid change (isoleucine 501 retained).
Molecular consequence: synonymous variant.
Genome position (GRCh38, 1-based): chr5:180,623,980, G>A on the plus strand (C>T on the coding strand, the complement: FLT4 is on the minus strand). VCF-style: chr5-180623980-G-A. GRCh37 (hg19) VCF-style: chr5-180050980-G-A.
Other names: c.1503C>T, p.Ile501= (NM_001354989.2, NM_002020.5).
Identifiers: ClinVar variation 4083805 (VCV004083805.8).

ClinVar aggregate classification (germline): Likely benign (1 of 4 stars; one submission).

gnomAD v4.1: 31 of 1,613,424 alleles (0.0019%); highest among the groups gnomAD compares: East Asian, 0.033%; no homozygotes.

Submission:

CeGaT Center for Human Genetics Tuebingen
Classification: Likely benign. Last evaluated: 2025-07-01. Review status: criteria provided, single submitter. Criteria: CeGaT Center For Human Genetics Tuebingen Variant Classification Criteria Version 2. Collection method: clinical testing. Allele origin: germline. Affected: yes. Observed: 1 variant allele.
Comment: FLT4: BP4, BP7